The following is an entry in ClinVar:

NM_003872.3(NRP2):c.787C>T (p.Arg263Cys)

Gene: NRP2 (neuropilin 2; plus strand). Cytogenetic location: 2q33.3.
Variant type: single nucleotide variant.
Coding change: c.787C>T on transcript NM_003872.3 (MANE Select); coding-DNA position 787, C replaced by T.
Protein change: p.Arg263Cys; replaces arginine 263 with cysteine.
Molecular consequence: missense variant.
Genome position (GRCh38, 1-based): chr2:205,723,907, C>T. VCF-style: chr2-205723907-C-T. GRCh37 (hg19) VCF-style: chr2-206588631-C-T.
Other names: c.787C>T, p.Arg263Cys (NM_018534.4, NM_201264.2, NM_201266.2 and 2 more transcripts); short protein forms R263C.
Identifiers: ClinVar variation 4989725 (VCV004989725.1).

ClinVar aggregate classification (germline): Uncertain significance (1 of 4 stars; one submission).

Conditions:
NRP2-related disorder. Also called: NRP2-related condition.

Submission:

PreventionGenetics, part of Exact Sciences
Classification: Uncertain significance for NRP2-related condition. Last evaluated: 2026-03-19. Review status: criteria provided, single submitter. Criteria: ACMG Guidelines, 2015. Collection method: clinical testing. Allele origin: germline.
Comment: The NRP2 c.787C>T variant is predicted to result in the amino acid substitution p.Arg263Cys. To our knowledge, this variant has not been reported in the literature. This variant is reported in 0.016% of alleles in individuals of African descent in gnomAD. At this time, the clinical significance of this variant is uncertain due to the absence of conclusive functional and genetic evidence.